The following is an entry in ClinVar:

NM_001614.5(ACTG1):c.1064T>G (p.Met355Arg)

Gene: ACTG1 (actin gamma 1; minus strand). Cytogenetic location: 17q25.3.
Variant type: single nucleotide variant.
Coding change: c.1064T>G on transcript NM_001614.5 (MANE Select); coding-DNA position 1064, T replaced by G.
Protein change: p.Met355Arg; replaces methionine 355 with arginine.
Molecular consequence: missense variant. On other transcripts: non-coding transcript variant (1).
Genome position (GRCh38, 1-based): chr17:81,510,754, A>C on the plus strand (T>G on the coding strand, the complement: ACTG1 is on the minus strand). VCF-style: chr17-81510754-A-C. GRCh37 (hg19) VCF-style: chr17-79477780-A-C.
Other names: c.1064T>G, p.Met355Arg (NM_001199954.3); short protein forms M355R.
Identifiers: ClinVar variation 2005812 (VCV002005812.4), dbSNP rs2544386201, ClinGen allele CA401458133.

ClinVar aggregate classification (germline): Uncertain significance (1 of 4 stars; one submission).

Conditions:
Autosomal dominant nonsyndromic hearing loss 20. Identifiers: Orphanet 90635, MedGen C1858172, MONDO:0011480, OMIM 604717.
Baraitser-winter syndrome 2. Identifiers: Orphanet 2995, MedGen C3281235, MONDO:0013812, OMIM 614583.

Submission:

Labcorp Genetics (formerly Invitae), Labcorp
Classification: Uncertain significance for Baraitser-winter syndrome 2; Autosomal dominant nonsyndromic hearing loss 20. Last evaluated: 2022-06-13. Review status: criteria provided, single submitter. Criteria: Invitae Variant Classification Sherloc (09022015). Collection method: clinical testing. Allele origin: germline.
Comment: This sequence change replaces methionine, which is neutral and non-polar, with arginine, which is basic and polar, at codon 355 of the ACTG1 protein (p.Met355Arg). This variant is not present in population databases (gnomAD no frequency). This variant has not been reported in the literature in individuals affected with ACTG1-related conditions. Algorithms developed to predict the effect of missense changes on protein structure and function are either unavailable or do not agree on the potential impact of this missense change (SIFT: "Deleterious"; PolyPhen-2: "Possibly Damaging"; Align-GVGD: "Class C0"). In summary, the available evidence is currently insufficient to determine the role of this variant in disease. Therefore, it has been classified as a Variant of Uncertain Significance.